The following is an entry in ClinVar:

ClinVar aggregate classification (germline): Uncertain significance (1 of 4 stars; one submission).

Conditions:
Early Myoclonic Encephalopathy. Identifiers: MedGen C0270855.

Submission:

Labcorp Genetics (formerly Invitae), Labcorp
Classification: Uncertain significance for Early Myoclonic Encephalopathy. Last evaluated: 2019-07-24. Review status: criteria provided, single submitter. Criteria: Invitae Variant Classification Sherloc (09022015). Collection method: clinical testing. Allele origin: germline.
Comment: In summary, the available evidence is currently insufficient to determine the role of this variant in disease. Therefore, it has been classified as a Variant of Uncertain Significance. Algorithms developed to predict the effect of missense changes on protein structure and function are either unavailable or do not agree on the potential impact of this missense change (SIFT: "Deleterious"; PolyPhen-2: "Possibly Damaging"; Align-GVGD: "Class C0"). This variant has not been reported in the literature in individuals with JMJD1C-related disease. This variant is not present in population databases (ExAC no frequency). This sequence change replaces glutamic acid with glutamine at codon 2538 of the JMJD1C protein (p.Glu2538Gln). The glutamic acid residue is highly conserved and there is a small physicochemical difference between glutamic acid and glutamine.

NM_032776.3(JMJD1C):c.7612G>C (p.Glu2538Gln)

Gene: JMJD1C (jumonji domain containing 1C; minus strand). Cytogenetic location: 10q21.3.
Variant type: single nucleotide variant.
Coding change: c.7612G>C on transcript NM_032776.3 (MANE Select); coding-DNA position 7612, G replaced by C.
Protein change: p.Glu2538Gln; replaces glutamic acid 2538 with glutamine.
Molecular consequence: missense variant. On other transcripts: non-coding transcript variant (1).
Genome position (GRCh38, 1-based): chr10:63,168,056, C>G on the plus strand (G>C on the coding strand, the complement: JMJD1C is on the minus strand). VCF-style: chr10-63168056-C-G. GRCh37 (hg19) VCF-style: chr10-64927816-C-G.
Other names: c.7066G>C, p.Glu2356Gln (NM_001282948.2, NM_001318154.2); c.6748G>C, p.Glu2250Gln (NM_001318153.2); c.7498G>C, p.Glu2500Gln (NM_001322252.2); c.6955G>C, p.Glu2319Gln (NM_001322254.2, NM_001322258.2); short protein forms E2538Q, E2250Q, E2356Q, E2319Q, E2500Q.
Identifiers: ClinVar variation 573448 (VCV000573448.10), dbSNP rs1564539562, ClinGen allele CA377017562.